The following is an entry in ClinVar:

ClinVar aggregate classification (germline): Pathogenic/Likely pathogenic. Review status: criteria provided, multiple submitters, no conflicts (2 of 4 stars). 4 submissions from 4 submitters: Pathogenic (2); Likely pathogenic (2). Last evaluated 2024-08-29.

Conditions:
PMM2-congenital disorder of glycosylation. Also called: CARBOHYDRATE-DEFICIENT GLYCOPROTEIN SYNDROME, TYPE Ia; CDG Ia; JAEKEN SYNDROME; PMM2-CDG; Congenital disorder of glycosylation, type Ia; PHOSPHOMANNOMUTASE 2 DEFICIENCY. Identifiers: Orphanet 79318, MedGen C0349653, MONDO:0008907, OMIM 212065.

Submissions (4):

Natera, Inc.
Classification: Likely pathogenic for Congenital disorder of glycosylation type 1a. Last evaluated: 2024-08-29. Review status: criteria provided, single submitter. Criteria: Natera Variant Classification Schema (03/2026). Collection method: clinical testing. Allele origin: germline.
Comment: The c.196dup variant in PMM2 is a frameshift variant predicted to shift the reading frame beginning at codon 66 and leads to a stop codon 19 codons downstream. This variant is expected to result in nonsense mediated decay, truncation, or a dysfunctional protein product. This variant is rare in the general population with a frequency below the threshold expected for the associated phenotype(s). Given the available evidence, this variant is classified as Likely Pathogenic.

Fulgent Genetics
Classification: Likely pathogenic for PMM2-congenital disorder of glycosylation. Last evaluated: 2024-05-16. Review status: criteria provided, single submitter. Criteria: ACMG Guidelines, 2015. Collection method: clinical testing. Allele origin: germline.

Baylor Genetics
Classification: Pathogenic for PMM2-congenital disorder of glycosylation. Last evaluated: 2023-05-09. Review status: criteria provided, single submitter. Criteria: ACMG Guidelines, 2015. Collection method: clinical testing. Allele origin: unknown.

Labcorp Genetics (formerly Invitae), Labcorp
Classification: Pathogenic for PMM2-congenital disorder of glycosylation. Last evaluated: 2022-02-25. Review status: criteria provided, single submitter. Criteria: Invitae Variant Classification Sherloc (09022015). Collection method: clinical testing. Allele origin: germline.
Comment: Algorithms developed to predict the effect of sequence changes on RNA splicing suggest that this variant may disrupt the consensus splice site. For these reasons, this variant has been classified as Pathogenic. This sequence change creates a premature translational stop signal (p.Tyr66Leufs*19) in the PMM2 gene. It is expected to result in an absent or disrupted protein product. Loss-of-function variants in PMM2 are known to be pathogenic (PMID: 19862844). This variant is present in population databases (rs756848112, gnomAD 0.003%). This variant has not been reported in the literature in individuals affected with PMM2-related conditions.

Literature cited by the submitters: PubMed 19862844 (cited by Labcorp Genetics (formerly Invitae), Labcorp).

NM_000303.3(PMM2):c.196dup (p.Tyr66fs)

Gene: PMM2 (phosphomannomutase 2; plus strand). Cytogenetic location: 16p13.2.
Variant type: Duplication.
Coding change: c.196dup on transcript NM_000303.3 (MANE Select); coding-DNA position 196, one base duplicated (T; older notation c.196dupT).
Protein change: p.Tyr66fs; shifts the reading frame from tyrosine 66.
Molecular consequence: frameshift variant.
Genome position (GRCh38, 1-based): chr16:8,804,784, T duplicated; the last of 2 consecutive T bases (chr16:8,804,783-8,804,784); duplicating either gives the same sequence. VCF-style (leftmost placement, unchanged base first): chr16-8804782-A-AT. GRCh37 (hg19) VCF-style: chr16-8898639-A-AT.
Other names: c.196dup (NM_000303.2); short protein forms Y66fs.
Identifiers: ClinVar variation 1966607 (VCV001966607.8), dbSNP rs756848112, ClinGen allele CA7893958.